The following is an entry in ClinVar:

ClinVar aggregate classification (germline): Uncertain significance (0 of 4 stars; one submission).

Conditions:
PLXNA1-related disorder. Also called: PLXNA1-related condition.

Allele frequency attached by ClinVar (database versions not stated): gnomAD exomes 0.00003; ExAC 0.00004; gnomAD 0.00008; 1000 Genomes Project 30x 0.00016; TOPMed 0.00016; 1000 Genomes Project 0.00020.
gnomAD v4.1: 66 of 1,613,628 alleles (0.0041%); highest among the groups gnomAD compares: Admixed American, 0.013%; no homozygotes.

Submission:

PreventionGenetics, part of Exact Sciences
Classification: Uncertain significance for PLXNA1-related condition. Last evaluated: 2024-04-04. Review status: no assertion criteria provided. Collection method: clinical testing. Allele origin: germline.
Comment: The PLXNA1 c.2188C>T variant is predicted to result in the amino acid substitution p.Arg730Trp. To our knowledge, this variant has not been reported in the literature. This variant is reported in 0.013% of alleles in individuals of South Asian descent in gnomAD. At this time, the clinical significance of this variant is uncertain due to the absence of conclusive functional and genetic evidence.

NM_032242.4(PLXNA1):c.2188C>T (p.Arg730Trp)

Gene: PLXNA1 (plexin A1; plus strand). Cytogenetic location: 3q21.3.
Variant type: single nucleotide variant.
Coding change: c.2188C>T on transcript NM_032242.4 (MANE Select); coding-DNA position 2188, C replaced by T.
Protein change: p.Arg730Trp; replaces arginine 730 with tryptophan.
Molecular consequence: missense variant.
Genome position (GRCh38, 1-based): chr3:127,012,033, C>T. VCF-style: chr3-127012033-C-T. GRCh37 (hg19) VCF-style: chr3-126730876-C-T.
Other names: short protein forms R730W.
Identifiers: ClinVar variation 3053979 (VCV003053979.2), dbSNP rs551831498, ClinGen allele CA2593541.
Genomic context (GRCh38, chr3:127,012,033, plus strand): 5'-CTGCCCTCCACGCAGATCTACGTGCCAGTGGGAGTGGTAAAACCCATCACCCTGGCCGCA[C>T]GGAACCTGCCACAGCCACAGTCAGGCCAGCGTGGATATGAGTGCCTCTTCCACATCCCGG-3'
Protein context (NP_115618.3, residues 720-740): GVVKPITLAA[Arg730Trp]NLPQPQSGQR